The following is an entry in ClinVar:

ClinVar aggregate classification (germline): Likely pathogenic (1 of 4 stars; one submission).

Submission:

GeneDx
Classification: Likely pathogenic. Last evaluated: 2017-01-09. Review status: criteria provided, single submitter. Criteria: GeneDx Variant Classification (06012015). Collection method: clinical testing. Allele origin: germline. Affected: yes.
Comment: The E134A variant in the MIP gene has not been reported previously as a pathogenic variant, nor as abenign variant, to our knowledge. However, a missense variant at this same codon (E134G) has beenreported in a large family with autosomal dominant congenital cataracts (Berry et al., 2000). TheE134A variant was not observed in approximately 6500 individuals of European and AfricanAmerican ancestry in the NHLBI Exome Sequencing Project, indicating it is not a common benignvariant in these populations. The E134A variant is a non-conservative amino acid substitution, whichis likely to impact secondary protein structure as these residues differ in polarity, charge, size and/orother properties. In addition, this substitution occurs at a position that is conserved across species, andin silico analysis predicts this variant is probably damaging to the protein structure/function. TheE134A variant is a strong candidate for a pathogenic variant, however the possibility it may be a rarebenign variant cannot be excluded.

NM_012064.4(MIP):c.401A>C (p.Glu134Ala)

Gene: MIP (major intrinsic protein of lens fiber; minus strand). Cytogenetic location: 12q13.3.
Variant type: single nucleotide variant.
Coding change: c.401A>C on transcript NM_012064.4 (MANE Select); coding-DNA position 401, A replaced by C.
Protein change: p.Glu134Ala; replaces glutamic acid 134 with alanine.
Molecular consequence: missense variant.
Genome position (GRCh38, 1-based): chr12:56,453,715, T>G on the plus strand (A>C on the coding strand, the complement: MIP is on the minus strand). VCF-style: chr12-56453715-T-G. GRCh37 (hg19) VCF-style: chr12-56847499-T-G.
Other names: short protein forms E134A.
Identifiers: ClinVar variation 391974 (VCV000391974.2), dbSNP rs121917869, ClinGen allele CA16607380.
Genomic context (GRCh38, chr12:56,453,715, plus strand): 5'-TTCCGCCTCTCGTCGTATGTGGCAAAGATGCAGAGCACGAACTGGAGCGTCAGGAAGATC[T>G]CCACTGTGGTTGCCTGGCCCACGCTCACCGCAGGGTGCAACTGTGCAAAGGAAGAAGAAG-3'
Protein context (NP_036196.1, residues 124-144): AVSVGQATTV[Glu134Ala]IFLTLQFVLC